The following is an entry in ClinVar:

NM_001130438.3(SPTAN1):c.1352C>T (p.Ala451Val)

Gene: SPTAN1 (spectrin alpha, non-erythrocytic 1; plus strand). Cytogenetic location: 9q34.11.
Variant type: single nucleotide variant.
Coding change: c.1352C>T on transcript NM_001130438.3 (MANE Select); coding-DNA position 1352, C replaced by T.
Protein change: p.Ala451Val; replaces alanine 451 with valine.
Molecular consequence: missense variant.
Genome position (GRCh38, 1-based): chr9:128,580,950, C>T. VCF-style: chr9-128580950-C-T. GRCh37 (hg19) VCF-style: chr9-131343229-C-T.
Other names: c.1352C>T (NM_001130438.2); c.1352C>T, p.Ala451Val (NM_001195532.2, NM_001363759.2, NM_001363765.2 and 5 more transcripts); c.1388C>T, p.Ala463Val (NM_001375312.2, NM_001375318.1); short protein forms A451V, A463V.
Identifiers: ClinVar variation 1014738 (VCV001014738.10), dbSNP rs149336930, ClinGen allele CA5264376.

ClinVar aggregate classification (germline): Uncertain significance. Review status: criteria provided, multiple submitters, no conflicts (2 of 4 stars). 2 submissions from 2 submitters: Uncertain significance (2). Last evaluated 2026-01-09.

Conditions:
Early-infantile DEE. Also called: Early infantile epileptic encephalopathy with suppression bursts; Early infantile epileptic encephalopathy; Ohtahara syndrome. Identifiers: Orphanet 1934, MedGen C0393706, MONDO:0800491.
Inborn genetic diseases. Identifiers: MedGen C0950123, MeSH D030342.

Allele frequency attached by ClinVar (database versions not stated): TOPMed 0.00002.
gnomAD v4.1: 15 of 1,613,360 alleles (0.00093%); highest among the groups gnomAD compares: African/African-American, 0.013%; no homozygotes.

Submissions (2):

Labcorp Genetics (formerly Invitae), Labcorp
Classification: Uncertain significance for Early-infantile DEE. Last evaluated: 2026-01-09. Review status: criteria provided, single submitter. Criteria: Invitae Variant Classification Sherloc (09022015). Collection method: clinical testing. Allele origin: germline.
Comment: This sequence change replaces alanine, which is neutral and non-polar, with valine, which is neutral and non-polar, at codon 451 of the SPTAN1 protein (p.Ala451Val). This variant is present in population databases (rs149336930, gnomAD 0.01%). This variant has not been reported in the literature in individuals affected with SPTAN1-related conditions. ClinVar contains an entry for this variant (Variation ID: 1014738). Invitae Evidence Modeling of protein sequence and biophysical properties (such as structural, functional, and spatial information, amino acid conservation, physicochemical variation, residue mobility, and thermodynamic stability) has been performed for this missense variant. However, the output from this modeling did not meet the statistical confidence thresholds required to predict the impact of this variant on SPTAN1 protein function. In summary, the available evidence is currently insufficient to determine the role of this variant in disease. Therefore, it has been classified as a Variant of Uncertain Significance.

Ambry Genetics
Classification: Uncertain significance for Inborn genetic diseases. Last evaluated: 2024-10-09. Review status: criteria provided, single submitter. Criteria: Ambry Variant Classification Scheme 2023. Collection method: clinical testing. Allele origin: germline.